The following is an entry in ClinVar:

ClinVar aggregate classification (germline): Uncertain significance (1 of 4 stars; one submission).

gnomAD v4.1: 1 of 1,614,066 alleles (0.000062%); highest among the groups gnomAD compares: Non-Finnish European, 0.000085%; no homozygotes.

Submission:

GeneDx
Classification: Uncertain significance. Last evaluated: 2026-03-02. Review status: criteria provided, single submitter. Criteria: GeneDx Variant Classification Process June 2021. Collection method: clinical testing. Allele origin: germline.
Comment: Not observed at significant frequency in large population cohorts (gnomAD); In silico analysis suggests that this missense variant does not alter protein structure/function; Has not been previously published as pathogenic or benign to our knowledge

NM_004770.3(KCNB2):c.1268T>A (p.Phe423Tyr)

Gene: KCNB2 (potassium voltage-gated channel subfamily B member 2; plus strand). Cytogenetic location: 8q21.11.
Variant type: single nucleotide variant.
Coding change: c.1268T>A on transcript NM_004770.3 (MANE Select); coding-DNA position 1268, T replaced by A.
Protein change: p.Phe423Tyr; replaces phenylalanine 423 with tyrosine.
Molecular consequence: missense variant.
Genome position (GRCh38, 1-based): chr8:72,936,623, T>A. VCF-style: chr8-72936623-T-A. GRCh37 (hg19) VCF-style: chr8-73848858-T-A.
Other names: short protein forms F423Y.
Identifiers: ClinVar variation 5008392 (VCV005008392.1).
Genomic context (GRCh38, chr8:72,936,623, plus strand): 5'-TTGCTGGGGTTCTGGTTATTGCCCTTCCTATCCCAATTATTGTGAACAATTTTTCTGAGT[T>A]TTACAAGGAGCAGAAACGCCAAGAGAAAGCAATTAAAAGGAGGGAGGCTCTTGAGCGGGC-3'
Protein context (NP_004761.2, residues 413-433): IPIIVNNFSE[Phe423Tyr]YKEQKRQEKA